The following is an entry in ClinVar:

NM_001197104.2(KMT2A):c.9709C>T (p.Leu3237Phe)

Gene: KMT2A (lysine methyltransferase 2A; plus strand). Cytogenetic location: 11q23.3.
Variant type: single nucleotide variant.
Coding change: c.9709C>T on transcript NM_001197104.2 (MANE Select); coding-DNA position 9709, C replaced by T.
Protein change: p.Leu3237Phe; replaces leucine 3237 with phenylalanine.
Molecular consequence: missense variant.
Genome position (GRCh38, 1-based): chr11:118,505,601, C>T. VCF-style: chr11-118505601-C-T. GRCh37 (hg19) VCF-style: chr11-118376316-C-T.
Other names: c.9799C>T, p.Leu3267Phe (NM_001412597.1); c.9700C>T, p.Leu3234Phe (NM_005933.4); short protein forms L3237F, L3234F, L3267F.
Identifiers: ClinVar variation 1949386 (VCV001949386.5), dbSNP rs1251105954, ClinGen allele CA382821455.

ClinVar aggregate classification (germline): Uncertain significance (1 of 4 stars; one submission).

Allele frequency attached by ClinVar (database versions not stated): gnomAD exomes 0.00001; TOPMed 0.00001; gnomAD 0.00002.
gnomAD v4.1: 18 of 1,614,004 alleles (0.0011%); highest among the groups gnomAD compares: Non-Finnish European, 0.0014%; no homozygotes.

Submission:

Labcorp Genetics (formerly Invitae), Labcorp
Classification: Uncertain significance. Last evaluated: 2025-12-15. Review status: criteria provided, single submitter. Criteria: Invitae Variant Classification Sherloc (09022015). Collection method: clinical testing. Allele origin: germline.
Comment: This sequence change replaces leucine, which is neutral and non-polar, with phenylalanine, which is neutral and non-polar, at codon 3237 of the KMT2A protein (p.Leu3237Phe). This variant is present in population databases (no rsID available, gnomAD 0.0009%). This variant has not been reported in the literature in individuals affected with KMT2A-related conditions. ClinVar contains an entry for this variant (Variation ID: 1949386). Invitae Evidence Modeling of protein sequence and biophysical properties (such as structural, functional, and spatial information, amino acid conservation, physicochemical variation, residue mobility, and thermodynamic stability) indicates that this missense variant is not expected to disrupt KMT2A protein function with a negative predictive value of 95%. In summary, the available evidence is currently insufficient to determine the role of this variant in disease. Therefore, it has been classified as a Variant of Uncertain Significance.